The following is an entry in ClinVar:

ClinVar aggregate classification (germline): Uncertain significance (1 of 4 stars; one submission).

gnomAD v4.1: 2 of 1,613,992 alleles (0.00012%); highest among the groups gnomAD compares: Middle Eastern, 0.033%; no homozygotes.

Submission:

Labcorp Genetics (formerly Invitae), Labcorp
Classification: Uncertain significance. Last evaluated: 2024-10-10. Review status: criteria provided, single submitter. Criteria: Invitae Variant Classification Sherloc (09022015). Collection method: clinical testing. Allele origin: germline.
Comment: This sequence change replaces isoleucine, which is neutral and non-polar, with valine, which is neutral and non-polar, at codon 2329 of the ANK3 protein (p.Ile2329Val). This variant is not present in population databases (gnomAD no frequency). This variant has not been reported in the literature in individuals affected with ANK3-related conditions. Invitae Evidence Modeling of protein sequence and biophysical properties (such as structural, functional, and spatial information, amino acid conservation, physicochemical variation, residue mobility, and thermodynamic stability) has been performed for this missense variant. However, the output from this modeling did not meet the statistical confidence thresholds required to predict the impact of this variant on ANK3 protein function. In summary, the available evidence is currently insufficient to determine the role of this variant in disease. Therefore, it has been classified as a Variant of Uncertain Significance.

NM_020987.5(ANK3):c.6985A>G (p.Ile2329Val)

Gene: ANK3 (ankyrin 3; minus strand). Cytogenetic location: 10q21.2.
Variant type: single nucleotide variant.
Coding change: c.6985A>G on transcript NM_020987.5 (MANE Select); coding-DNA position 6985, A replaced by G.
Protein change: p.Ile2329Val; replaces isoleucine 2329 with valine.
Molecular consequence: missense variant. On other transcripts: intron variant (4).
Genome position (GRCh38, 1-based): chr10:60,073,896, T>C on the plus strand (A>G on the coding strand, the complement: ANK3 is on the minus strand). VCF-style: chr10-60073896-T-C. GRCh37 (hg19) VCF-style: chr10-61833654-T-C.
Other names: c.4388-5887A>G (NM_001204403.2); c.4409-5887A>G (NM_001204404.2); c.4406-5887A>G (NM_001320874.2); c.1808-5887A>G (NM_001149.4); short protein forms I2329V.
Identifiers: ClinVar variation 3617550 (VCV003617550.2).